The following is an entry in ClinVar:

ClinVar aggregate classification (germline): Uncertain significance (1 of 4 stars; one submission).

Submission:

GeneDx
Classification: Uncertain significance. Last evaluated: 2026-03-31. Review status: criteria provided, single submitter. Criteria: GeneDx Variant Classification Process June 2021. Collection method: clinical testing. Allele origin: germline.
Comment: Not observed at significant frequency in large population cohorts (gnomAD); In silico analysis suggests that this missense variant does not alter protein structure/function; Has not been previously published as pathogenic or benign to our knowledge

NM_001005273.3(CHD3):c.374G>A (p.Gly125Glu)

Gene: CHD3 (chromodomain helicase DNA binding protein 3; plus strand). Cytogenetic location: 17p13.1.
Variant type: single nucleotide variant.
Coding change: c.374G>A on transcript NM_001005273.3 (MANE Select); coding-DNA position 374, G replaced by A.
Protein change: p.Gly125Glu; replaces glycine 125 with glutamic acid.
Molecular consequence: missense variant.
Genome position (GRCh38, 1-based): chr17:7,890,731, G>A. VCF-style: chr17-7890731-G-A. GRCh37 (hg19) VCF-style: chr17-7794049-G-A.
Other names: c.551G>A, p.Gly184Glu (NM_001005271.3, NM_001437504.1, NM_001437507.1 and 2 more transcripts); c.374G>A, p.Gly125Glu (NM_005852.4); short protein forms G125E, G184E.
Identifiers: ClinVar variation 5018068 (VCV005018068.1).